The following is an entry in ClinVar:

ClinVar aggregate classification (germline): Pathogenic/Likely pathogenic. Review status: criteria provided, multiple submitters, no conflicts (2 of 4 stars). 4 submissions from 4 submitters: Pathogenic (1); Likely pathogenic (3). Last evaluated 2024-04-30.

Conditions:
PCDH15-related disorder. Also called: PCDH15-related disorders; PCDH15-related condition.
Autosomal recessive nonsyndromic hearing loss 23. Identifiers: Orphanet 90636, MedGen C1836027, MONDO:0012293, OMIM 609533.
Usher syndrome type 1D (USH1D). Also called: USHER SYNDROME, TYPE ID. Identifiers: Orphanet 231169, Orphanet 886, MedGen C1832845, MONDO:0010984, OMIM 601067.
Usher syndrome type 1F (USH1F). Also called: USHER SYNDROME, TYPE IF. Identifiers: Orphanet 231169, Orphanet 886, MedGen C1865885, MONDO:0011186, OMIM 602083.

Submissions (4):

Fulgent Genetics
Classification: Likely pathogenic for Usher syndrome type 1D; Usher syndrome type 1F; Autosomal recessive nonsyndromic hearing loss 23. Last evaluated: 2024-04-30. Review status: criteria provided, single submitter. Criteria: ACMG Guidelines, 2015. Collection method: clinical testing. Allele origin: germline.

Baylor Genetics
Classification: Likely pathogenic for Autosomal recessive nonsyndromic hearing loss 23. Last evaluated: 2024-02-28. Review status: criteria provided, single submitter. Criteria: ACMG Guidelines, 2015. Collection method: clinical testing. Allele origin: unknown.

Labcorp Genetics (formerly Invitae), Labcorp
Classification: Pathogenic. Last evaluated: 2023-05-19. Review status: criteria provided, single submitter. Criteria: Invitae Variant Classification Sherloc (09022015). Collection method: clinical testing. Allele origin: germline.
Comment: For these reasons, this variant has been classified as Pathogenic. ClinVar contains an entry for this variant (Variation ID: 1425442). This variant has not been reported in the literature in individuals affected with PCDH15-related conditions. This variant is present in population databases (rs765906921, gnomAD 0.0009%). This sequence change creates a premature translational stop signal (p.Asp677Ilefs*5) in the PCDH15 gene. It is expected to result in an absent or disrupted protein product. Loss-of-function variants in PCDH15 are known to be pathogenic (PMID: 11398101, 11487575, 14570705).

Blueprint Genetics
Classification: Likely pathogenic for PCDH15-related disorders. Last evaluated: 2020-07-07. Review status: criteria provided, single submitter. Criteria: ACMG Guidelines, 2015. Collection method: clinical testing. Allele origin: germline. Affected: yes. Observed: 2 variant alleles.

Literature cited by the submitters: PubMed 11398101 (cited by Labcorp Genetics (formerly Invitae), Labcorp); PubMed 11487575 (cited by Labcorp Genetics (formerly Invitae), Labcorp); PubMed 14570705 (cited by Labcorp Genetics (formerly Invitae), Labcorp).

NM_001384140.1(PCDH15):c.2029_2044del (p.Asp677fs)

Gene: PCDH15 (protocadherin related 15; minus strand). Cytogenetic location: 10q21.1.
Variant type: Deletion.
Coding change: c.2029_2044del on transcript NM_001384140.1 (MANE Select); coding-DNA positions 2029 to 2044, 16 bases deleted (GACAGGGAAAGCACTG).
Protein change: p.Asp677fs; shifts the reading frame from aspartic acid 677.
Molecular consequence: frameshift variant.
Genome position (GRCh38, 1-based): chr10:54,079,378-54,079,393, CAGTGCTTTCCCTGTC deleted on the plus strand (GACAGGGAAAGCACTG on the coding strand, the reverse complement: PCDH15 is on the minus strand); deleting any 16 consecutive bases within chr10:54,079,378-54,079,406 gives the same sequence; the c. name uses the placement nearest the transcript's 3' end. VCF-style (leftmost placement, unchanged base first): chr10-54079377-TCAGTGCTTTCCCTGTC-T. GRCh37 (hg19) VCF-style: chr10-55839137-TCAGTGCTTTCCCTGTC-T.
Other names: c.2029_2044del (NM_033056.3); c.2044_2059del, p.Asp682fs (NM_001142763.2, NM_001142771.2); c.2029_2044del, p.Asp677fs (NM_001142764.2, NM_001142766.2, NM_001142770.3 and 5 more transcripts); c.1816_1831del, p.Asp606fs (NM_001142765.2); c.1918_1933del, p.Asp640fs (NM_001142767.2); c.1963_1978del, p.Asp655fs (NM_001142768.2, NM_001142773.2, NM_001354404.2); c.2052_2067del16, p.Asp689Ilefs (NM_001142769.4); c.2050_2065del, p.Asp684fs (NM_001354411.2); short protein forms D655fs, D677fs, D682fs, D689fs, D606fs, D684fs, D640fs.
Identifiers: ClinVar variation 1425442 (VCV001425442.9), dbSNP rs765906921, ClinGen allele CA5506148.